The following is an entry in ClinVar:

ClinVar aggregate classification (germline): Pathogenic (1 of 4 stars; one submission).

Conditions:
Hereditary cancer-predisposing syndrome. Also called: Hereditary Cancer Syndrome; Neoplastic Syndromes, Hereditary; Hereditary neoplastic syndrome; Tumor predisposition. Identifiers: Orphanet 140162, MedGen C0027672, MeSH D009386, MONDO:0015356.

Submission:

Ambry Genetics
Classification: Pathogenic for Hereditary cancer-predisposing syndrome. Last evaluated: 2013-11-21. Review status: criteria provided, single submitter. Criteria: Ambry Autosomal Dominant and X-Linked criteria (10/2015). Collection method: clinical testing. Allele origin: germline. Observed: 1 variant allele.
Comment: The c.417delC pathogenic mutation, located in coding exon 1 of the MEN1 gene, results from a deletion of one nucleotide at position 417, causing a translational frameshift with a predicted alternate stop codon. Since frameshifts are typically deleterious in nature, this alteration is interpreted as a disease-causing mutation (ACMG Recommendations for Standards for Interpretation and Reporting of Sequence Variations. Revision 2007. Genet Med. 2008;10:294).

NM_001370259.2(MEN1):c.417del (p.His139fs)

Gene: MEN1 (menin 1; minus strand). Cytogenetic location: 11q13.1.
Variant type: Deletion.
Coding change: c.417del on transcript NM_001370259.2 (MANE Select); coding-DNA position 417, one base deleted (C; older notation c.417delC).
Protein change: p.His139fs; shifts the reading frame from histidine 139.
Molecular consequence: frameshift variant.
Genome position (GRCh38, 1-based): chr11:64,809,693, G deleted on the plus strand (C on the coding strand, the reverse complement: MEN1 is on the minus strand). VCF-style (leftmost placement, unchanged base first): chr11-64809692-TG-T. GRCh37 (hg19) VCF-style: chr11-64577164-TG-T.
Other names: c.417delC (NM_130799.2); c.417del, p.His139fs (NM_000244.4, NM_001370251.2, NM_001370260.2 and 9 more transcripts); short protein forms H139fs.
Identifiers: ClinVar variation 428087 (VCV000428087.4), dbSNP rs1114167540, ClinGen allele CA645369510.